The following is an entry in ClinVar:

NM_000260.4(MYO7A):c.166A>T (p.Ile56Phe)

Gene: MYO7A (myosin VIIA; plus strand). Cytogenetic location: 11q13.5.
Variant type: single nucleotide variant.
Coding change: c.166A>T on transcript NM_000260.4 (MANE Select); coding-DNA position 166, A replaced by T.
Protein change: p.Ile56Phe; replaces isoleucine 56 with phenylalanine.
Molecular consequence: missense variant.
Genome position (GRCh38, 1-based): chr11:77,147,831, A>T. VCF-style: chr11-77147831-A-T. GRCh37 (hg19) VCF-style: chr11-76858877-A-T.
Other names: c.166A>T, p.Ile56Phe (NM_001127180.2); c.133A>T, p.Ile45Phe (NM_001369365.1); short protein forms I45F, I56F.
Identifiers: ClinVar variation 1026044 (VCV001026044.8), dbSNP rs1369947369, ClinGen allele CA381928732.

ClinVar aggregate classification (germline): Uncertain significance (1 of 4 stars; one submission).

Submission:

Labcorp Genetics (formerly Invitae), Labcorp
Classification: Uncertain significance. Last evaluated: 2024-10-22. Review status: criteria provided, single submitter. Criteria: Invitae Variant Classification Sherloc (09022015). Collection method: clinical testing. Allele origin: germline.
Comment: This sequence change replaces isoleucine, which is neutral and non-polar, with phenylalanine, which is neutral and non-polar, at codon 56 of the MYO7A protein (p.Ile56Phe). This variant is not present in population databases (gnomAD no frequency). This variant has not been reported in the literature in individuals affected with MYO7A-related conditions. ClinVar contains an entry for this variant (Variation ID: 1026044). Invitae Evidence Modeling of protein sequence and biophysical properties (such as structural, functional, and spatial information, amino acid conservation, physicochemical variation, residue mobility, and thermodynamic stability) indicates that this missense variant is not expected to disrupt MYO7A protein function with a negative predictive value of 95%. In summary, the available evidence is currently insufficient to determine the role of this variant in disease. Therefore, it has been classified as a Variant of Uncertain Significance.